The following is an entry in ClinVar:

NM_006302.3(MOGS):c.875C>A (p.Ala292Asp)

Gene: MOGS (mannosyl-oligosaccharide glucosidase; minus strand). Cytogenetic location: 2p13.1.
Variant type: single nucleotide variant.
Coding change: c.875C>A on transcript NM_006302.3 (MANE Select); coding-DNA position 875, C replaced by A.
Protein change: p.Ala292Asp; replaces alanine 292 with aspartic acid.
Molecular consequence: missense variant.
Genome position (GRCh38, 1-based): chr2:74,462,914, G>T on the plus strand (C>A on the coding strand, the complement: MOGS is on the minus strand). VCF-style: chr2-74462914-G-T. GRCh37 (hg19) VCF-style: chr2-74690041-G-T.
Other names: c.557C>A, p.Ala186Asp (NM_001146158.2); short protein forms A186D, A292D.
Identifiers: ClinVar variation 862401 (VCV000862401.8), dbSNP rs762463041, ClinGen allele CA1724901.
Genomic context (GRCh38, chr2:74,462,914, plus strand): 5'-CTTGGACCTCTGTCCTCCCACTTCAGGGATCCTGGCAAGCCGAGGTAGCGTTCAGGGGGG[G>T]CCCCTGGGGGCCGATGCTGAAACCAGCTATTTAGGCGACTCTTTACCATCTCTGTCAGCA-3'
Protein context (NP_006293.2, residues 282-302): NSWFQHRPPG[Ala292Asp]PPERYLGLPG

ClinVar aggregate classification (germline): Uncertain significance. Review status: criteria provided, multiple submitters, no conflicts (2 of 4 stars). 2 submissions from 2 submitters: Uncertain significance (2). Last evaluated 2025-10-02.

Conditions:
Inborn genetic diseases. Identifiers: MedGen C0950123, MeSH D030342.
MOGS-congenital disorder of glycosylation. Also called: GLUCOSIDASE I DEFICIENCY; MOGS-CDG; CDG IIb; CDG 2B. Identifiers: Orphanet 79330, MedGen C1853736, MONDO:0011629, OMIM 606056.

Allele frequency attached by ClinVar (database versions not stated): ExAC 0.00001; gnomAD 0.00001; TOPMed 0.00003.

Submissions (2):

Ambry Genetics
Classification: Uncertain significance for Inborn genetic diseases. Last evaluated: 2025-10-02. Review status: criteria provided, single submitter. Criteria: Ambry Variant Classification Scheme 2023. Collection method: clinical testing. Allele origin: germline.

Labcorp Genetics (formerly Invitae), Labcorp
Classification: Uncertain significance for MOGS-congenital disorder of glycosylation. Last evaluated: 2021-08-27. Review status: criteria provided, single submitter. Criteria: Invitae Variant Classification Sherloc (09022015). Collection method: clinical testing. Allele origin: germline.
Comment: This sequence change replaces alanine with aspartic acid at codon 292 of the MOGS protein (p.Ala292Asp). The alanine residue is moderately conserved and there is a moderate physicochemical difference between alanine and aspartic acid. This variant is present in population databases (rs762463041, ExAC 0.002%). This variant has not been reported in the literature in individuals affected with MOGS-related conditions. Algorithms developed to predict the effect of missense changes on protein structure and function (SIFT, PolyPhen-2, Align-GVGD) all suggest that this variant is likely to be tolerated. In summary, the available evidence is currently insufficient to determine the role of this variant in disease. Therefore, it has been classified as a Variant of Uncertain Significance.